The following is an entry in ClinVar:

ClinVar aggregate classification (germline): Uncertain significance (1 of 4 stars; one submission).

gnomAD v4.1: 18 of 1,565,390 alleles (0.0011%); highest among the groups gnomAD compares: African/African-American, 0.014%; no homozygotes.

Submission:

Dasa
Classification: Uncertain significance. Last evaluated: 2025-08-04. Review status: criteria provided, single submitter. Criteria: DASA Assertion Criteria. Collection method: clinical testing. Allele origin: germline.
Comment: NM_001099402.2(CCNK):c.1241C>T (p.Pro414Leu) is a missense variant that results in the substitution of proline with leucine. This variant is rare in population databases. Computational prediction algorithms are consistent with a benign effect. The currently available literature and clinical evidence are not sufficient to establish a definitive association between this variant and the reported condition. Therefore, this variant is classified as a variant of uncertain significance.

NM_001099402.2(CCNK):c.1241C>T (p.Pro414Leu)

Genes: CCDC85C (coiled-coil domain containing 85C; minus strand), CCNK (cyclin K; plus strand). Cytogenetic location: 14q32.2.
Variant type: single nucleotide variant.
Coding change: c.1241C>T on transcript NM_001099402.2 (MANE Select); coding-DNA position 1241, C replaced by T.
Protein change: p.Pro414Leu; replaces proline 414 with leucine.
Molecular consequence: missense variant. On other transcripts: 3 prime UTR variant (1).
Genome position (GRCh38, 1-based): chr14:99,510,280, C>T. VCF-style: chr14-99510280-C-T. GRCh37 (hg19) VCF-style: chr14-99976617-C-T.
Other names: c.*4966G>A (NM_001144995.2); short protein forms P414L.
Identifiers: ClinVar variation 4856890 (VCV004856890.2).